The following is an entry in ClinVar:

ClinVar aggregate classification (germline): Conflicting classifications of pathogenicity. Review status: criteria provided, conflicting classifications (1 of 4 stars). 3 submissions from 3 submitters: Uncertain significance (2); Likely benign (1). Last evaluated 2024-04-18.

Conditions:
Inborn genetic diseases. Identifiers: MedGen C0950123, MeSH D030342.
Short-rib thoracic dysplasia 13 with or without polydactyly (SRTD13). Identifiers: Orphanet 474, MedGen C4225378, MONDO:0014577, OMIM 616300.

Allele frequency attached by ClinVar (database versions not stated): gnomAD exomes 0.00001 and 0.00003; ExAC 0.00004; TOPMed 0.00013; gnomAD 0.00014 and 0.00015; ESP Exome Variant Server 0.00015.
gnomAD v4.1: 35 of 1,593,770 alleles (0.0022%); highest among the groups gnomAD compares: African/African-American, 0.046%; no homozygotes.

Submissions (3):

GeneDx
Classification: Uncertain significance. Last evaluated: 2024-04-18. Review status: criteria provided, single submitter. Criteria: GeneDx Variant Classification Process June 2021. Collection method: clinical testing. Allele origin: germline. Affected: yes.
Comment: In silico analysis supports that this missense variant has a deleterious effect on protein structure/function; Has not been previously published as pathogenic or benign to our knowledge

Ambry Genetics
Classification: Likely benign for Inborn genetic diseases. Last evaluated: 2022-08-12. Review status: criteria provided, single submitter. Criteria: Ambry Variant Classification Scheme 2023. Collection method: clinical testing. Allele origin: germline.

Labcorp Genetics (formerly Invitae), Labcorp
Classification: Uncertain significance for Short-rib thoracic dysplasia 13 with or without polydactyly. Last evaluated: 2021-10-18. Review status: criteria provided, single submitter. Criteria: Invitae Variant Classification Sherloc (09022015). Collection method: clinical testing. Allele origin: germline.
Comment: This sequence change replaces valine with alanine at codon 495 of the CEP120 protein (p.Val495Ala). The valine residue is highly conserved and there is a small physicochemical difference between valine and alanine. This variant is present in population databases (rs150887058, ExAC 0.05%). This variant has not been reported in the literature in individuals affected with CEP120-related conditions. Algorithms developed to predict the effect of missense changes on protein structure and function are either unavailable or do not agree on the potential impact of this missense change (SIFT: "Deleterious"; PolyPhen-2: "Benign"; Align-GVGD: "Class C25"). In summary, the available evidence is currently insufficient to determine the role of this variant in disease. Therefore, it has been classified as a Variant of Uncertain Significance.

NM_001375405.1(CEP120):c.1484T>C (p.Val495Ala)

Gene: CEP120 (centrosomal protein 120; minus strand). Cytogenetic location: 5q23.2.
Variant type: single nucleotide variant.
Coding change: c.1484T>C on transcript NM_001375405.1 (MANE Select); coding-DNA position 1484, T replaced by C.
Protein change: p.Val495Ala; replaces valine 495 with alanine.
Molecular consequence: missense variant. On other transcripts: non-coding transcript variant (1).
Genome position (GRCh38, 1-based): chr5:123,386,614, A>G on the plus strand (T>C on the coding strand, the complement: CEP120 is on the minus strand). VCF-style: chr5-123386614-A-G. GRCh37 (hg19) VCF-style: chr5-122722308-A-G.
Other names: c.1406T>C, p.Val469Ala (NM_001166226.2); c.1349T>C, p.Val450Ala (NM_001375406.1); c.1484T>C, p.Val495Ala (NM_001375407.1, NM_153223.4); c.911T>C, p.Val304Ala (NM_001375408.1, NM_001375409.1); c.1484T>C (NM_153223.3); short protein forms V304A, V495A, V450A, V469A.
Identifiers: ClinVar variation 1515217 (VCV001515217.5), dbSNP rs150887058, ClinGen allele CA3386943.